The following is an entry in ClinVar:

ClinVar aggregate classification (germline): Uncertain significance (1 of 4 stars; one submission).

Submission:

GeneDx
Classification: Uncertain significance. Last evaluated: 2025-02-10. Review status: criteria provided, single submitter. Criteria: GeneDx Variant Classification Process June 2021. Collection method: clinical testing. Allele origin: germline. Affected: yes.
Comment: Not observed at significant frequency in large population cohorts (gnomAD); In silico analysis supports that this missense variant has a deleterious effect on protein structure/function; Has not been previously published as pathogenic or benign to our knowledge

NM_000217.3(KCNA1):c.323T>A (p.Val108Glu)

Gene: KCNA1 (potassium voltage-gated channel subfamily A member 1; plus strand). Cytogenetic location: 12p13.32.
Variant type: single nucleotide variant.
Coding change: c.323T>A on transcript NM_000217.3 (MANE Select); coding-DNA position 323, T replaced by A.
Protein change: p.Val108Glu; replaces valine 108 with glutamic acid.
Molecular consequence: missense variant.
Genome position (GRCh38, 1-based): chr12:4,911,701, T>A. VCF-style: chr12-4911701-T-A. GRCh37 (hg19) VCF-style: chr12-5020867-T-A.
Other names: short protein forms V108E.
Identifiers: ClinVar variation 4074554 (VCV004074554.1).
Genomic context (GRCh38, chr12:4,911,701, plus strand): 5'-GCTTCGACGCCATCCTCTACTACTACCAGTCCGGCGGCCGCCTGCGGAGGCCGGTCAACG[T>A]GCCCCTGGACATGTTCTCCGAGGAGATCAAGTTTTACGAGTTGGGCGAGGAGGCCATGGA-3'
Protein context (NP_000208.2, residues 98-118): SGGRLRRPVN[Val108Glu]PLDMFSEEIK